The following is an entry in ClinVar:

NM_007294.4(BRCA1):c.3431A>G (p.Gln1144Arg)

Genes: BRCA1 (BRCA1 DNA repair associated; minus strand), LOC126862571 (BRD4-independent group 4 enhancer GRCh37_chr17:41243136-41244335; plus strand). Cytogenetic location: 17q21.31.
Variant type: single nucleotide variant.
Coding change: c.3431A>G on transcript NM_007294.4 (MANE Select); coding-DNA position 3431, A replaced by G.
Protein change: p.Gln1144Arg; replaces glutamine 1144 with arginine.
Molecular consequence: missense variant. On other transcripts: intron variant (135).
Genome position (GRCh38, 1-based): chr17:43,092,100, T>C on the plus strand (A>G on the coding strand, the complement: BRCA1 is on the minus strand). VCF-style: chr17-43092100-T-C. GRCh37 (hg19) VCF-style: chr17-41244117-T-C.
Other names: c.3218A>G, p.Gln1073Arg (NM_001407571.1, NM_001407853.1, NM_001407894.1 and 9 more transcripts); c.3431A>G, p.Gln1144Arg (NM_001407581.1, NM_001407582.1, NM_001407583.1 and 30 more transcripts); c.3428A>G, p.Gln1143Arg (NM_001407587.1, NM_001407590.1, NM_001407591.1 and 22 more transcripts); c.3422A>G, p.Gln1141Arg (NM_001407646.1, NM_001407647.1); c.3308A>G, p.Gln1103Arg (NM_001407648.1, NM_001407664.1, NM_001407665.1 and 19 more transcripts); c.3305A>G, p.Gln1102Arg (NM_001407649.1, NM_001407670.1, NM_001407671.1 and 11 more transcripts); c.3353A>G, p.Gln1118Arg (NM_001407653.1, NM_001407654.1, NM_001407655.1 and 4 more transcripts); c.3350A>G, p.Gln1117Arg (NM_001407659.1, NM_001407660.1, NM_001407661.1 and 1 more transcripts); and 41 more; short protein forms Q1016R, Q1017R, Q1032R, Q1033R, Q1055R, Q1056R, Q1073R, Q1074R.
Identifiers: ClinVar variation 3625785 (VCV003625785.2).

ClinVar aggregate classification (germline): Uncertain significance (1 of 4 stars; one submission).

Conditions:
Hereditary breast ovarian cancer syndrome. Also called: Hereditary breast and ovarian cancer; Hereditary breast and ovarian cancer syndrome (HBOC); Hereditary breast and/or ovarian cancer syndrome; Hereditary breast and ovarian cancer syndrome; Breast and ovarian cancer; BRCA1- and BRCA2-Associated Hereditary Breast and Ovarian Cancer. Identifiers: Orphanet 145, MedGen C0677776, MeSH D061325, MONDO:0003582. Disease mechanism: loss of function.

gnomAD v4.1: 2 of 1,613,884 alleles (0.00012%); highest among the groups gnomAD compares: Admixed American, 0.0033%; no homozygotes.

Submission:

Labcorp Genetics (formerly Invitae), Labcorp
Classification: Uncertain significance for Hereditary breast ovarian cancer syndrome. Last evaluated: 2025-07-23. Review status: criteria provided, single submitter. Criteria: Invitae Variant Classification Sherloc (09022015). Collection method: clinical testing. Allele origin: germline.
Comment: This sequence change replaces glutamine, which is neutral and polar, with arginine, which is basic and polar, at codon 1144 of the BRCA1 protein (p.Gln1144Arg). This variant is present in population databases (rs773638815, gnomAD 0.006%). This variant has not been reported in the literature in individuals affected with BRCA1-related conditions. ClinVar contains an entry for this variant (Variation ID: 3625785). Invitae Evidence Modeling of protein sequence and biophysical properties (such as structural, functional, and spatial information, amino acid conservation, physicochemical variation, residue mobility, and thermodynamic stability) has been performed for this missense variant. However, the output from this modeling did not meet the statistical confidence thresholds required to predict the impact of this variant on BRCA1 protein function. In summary, the available evidence is currently insufficient to determine the role of this variant in disease. Therefore, it has been classified as a Variant of Uncertain Significance.